The following is an entry in ClinVar:

ClinVar aggregate classification (germline): Conflicting classifications of pathogenicity. Review status: criteria provided, conflicting classifications (1 of 4 stars). 3 submissions from 3 submitters: Uncertain significance (2); Benign (1). Last evaluated 2025-05-17.

Conditions:
Cardiovascular phenotype. Identifiers: MedGen CN230736.
Long QT syndrome (LQTS). Identifiers: MedGen C0023976, MeSH D008133, MONDO:0002442. Disease mechanism: loss of function. Inheritance: Various modes of inheritance.

Allele frequency attached by ClinVar (database versions not stated): gnomAD exomes 0.00002 and 0.00006; ExAC 0.00003; 1000 Genomes Project 30x 0.00016; gnomAD 0.00018 and 0.00019; 1000 Genomes Project 0.00020; TOPMed 0.00045.
gnomAD v4.1: 64 of 1,614,000 alleles (0.004%); highest among the groups gnomAD compares: Admixed American, 0.07%; no homozygotes.

Submissions (3):

Labcorp Genetics (formerly Invitae), Labcorp
Classification: Uncertain significance for Long QT syndrome. Last evaluated: 2025-05-17. Review status: criteria provided, single submitter. Criteria: Invitae Variant Classification Sherloc (09022015). Collection method: clinical testing. Allele origin: germline.
Comment: This sequence change replaces proline, which is neutral and non-polar, with leucine, which is neutral and non-polar, at codon 386 of the SNTA1 protein (p.Pro386Leu). This variant is present in population databases (rs200865199, gnomAD 0.03%). This variant has not been reported in the literature in individuals affected with SNTA1-related conditions. ClinVar contains an entry for this variant (Variation ID: 391855). Invitae Evidence Modeling of protein sequence and biophysical properties (such as structural, functional, and spatial information, amino acid conservation, physicochemical variation, residue mobility, and thermodynamic stability) indicates that this missense variant is not expected to disrupt SNTA1 protein function with a negative predictive value of 80%. In summary, the available evidence is currently insufficient to determine the role of this variant in disease. Therefore, it has been classified as a Variant of Uncertain Significance.

GeneDx
Classification: Uncertain significance. Last evaluated: 2024-09-18. Review status: criteria provided, single submitter. Criteria: GeneDx Variant Classification Process June 2021. Collection method: clinical testing. Allele origin: germline. Affected: yes.
Comment: Has not been previously published as pathogenic or benign to our knowledge; In silico analysis supports that this missense variant has a deleterious effect on protein structure/function

Ambry Genetics
Classification: Benign for Cardiovascular phenotype. Last evaluated: 2024-01-02. Review status: criteria provided, single submitter. Criteria: Ambry Variant Classification Scheme 2023. Collection method: clinical testing. Allele origin: germline.

NM_003098.3(SNTA1):c.1157C>T (p.Pro386Leu)

Gene: SNTA1 (syntrophin alpha 1; minus strand). Cytogenetic location: 20q11.21.
Variant type: single nucleotide variant.
Coding change: c.1157C>T on transcript NM_003098.3 (MANE Select); coding-DNA position 1157, C replaced by T.
Protein change: p.Pro386Leu; replaces proline 386 with leucine.
Molecular consequence: missense variant.
Genome position (GRCh38, 1-based): chr20:33,410,215, G>A on the plus strand (C>T on the coding strand, the complement: SNTA1 is on the minus strand). VCF-style: chr20-33410215-G-A. GRCh37 (hg19) VCF-style: chr20-31998021-G-A.
Other names: short protein forms P386L.
Identifiers: ClinVar variation 391855 (VCV000391855.14), dbSNP rs200865199, ClinGen allele CA9817028.